The following is an entry in ClinVar:

NM_006929.5(SKIC2):c.2295G>A (p.Met765Ile)

Gene: SKIC2 (SKI2 subunit of superkiller complex; plus strand). Cytogenetic location: 6p21.33.
Variant type: single nucleotide variant.
Coding change: c.2295G>A on transcript NM_006929.5 (MANE Select); coding-DNA position 2295, G replaced by A.
Protein change: p.Met765Ile; replaces methionine 765 with isoleucine.
Molecular consequence: missense variant.
Genome position (GRCh38, 1-based): chr6:31,966,801, G>A. VCF-style: chr6-31966801-G-A. GRCh37 (hg19) VCF-style: chr6-31934578-G-A.
Other names: short protein forms M765I.
Identifiers: ClinVar variation 3728551 (VCV003728551.2).
Genomic context (GRCh38, chr6:31,966,801, plus strand): 5'-CCTCACGTACACTATGATCCTCAACTTGCTGCGAGTGGATGCCCTCAGGGTGGAGGACAT[G>A]ATGAAGAGGAGCTTCTCTGAGTTTCCCTCCCGCAAAGACAGCAAGGTAAGGAGCCTGGGG-3'
Protein context (NP_008860.4, residues 755-775): LRVDALRVED[Met765Ile]MKRSFSEFPS

ClinVar aggregate classification (germline): Uncertain significance (1 of 4 stars; one submission).

gnomAD v4.1: 3 of 1,614,224 alleles (0.00019%); highest among the groups gnomAD compares: Non-Finnish European, 0.00025%; no homozygotes.

Submission:

Labcorp Genetics (formerly Invitae), Labcorp
Classification: Uncertain significance. Last evaluated: 2025-01-23. Review status: criteria provided, single submitter. Criteria: Invitae Variant Classification Sherloc (09022015). Collection method: clinical testing. Allele origin: germline.
Comment: This sequence change replaces methionine, which is neutral and non-polar, with isoleucine, which is neutral and non-polar, at codon 765 of the SKIV2L protein (p.Met765Ile). This variant is present in population databases (rs557829269, gnomAD 0.002%). This variant has not been reported in the literature in individuals affected with SKIV2L-related conditions. An algorithm developed to predict the effect of missense changes on protein structure and function (PolyPhen-2) suggests that this variant is likely to be disruptive. In summary, the available evidence is currently insufficient to determine the role of this variant in disease. Therefore, it has been classified as a Variant of Uncertain Significance.